The following is an entry in ClinVar:

NM_005751.5(AKAP9):c.4936G>A (p.Glu1646Lys)

Genes: AKAP9 (A-kinase anchoring protein 9; plus strand), LOC121175350 (Sharpr-MPRA regulatory region 2641; plus strand). Cytogenetic location: 7q21.2.
Variant type: single nucleotide variant.
Coding change: c.4936G>A on transcript NM_005751.5 (MANE Select); coding-DNA position 4936, G replaced by A.
Protein change: p.Glu1646Lys; replaces glutamic acid 1646 with lysine.
Molecular consequence: missense variant.
Genome position (GRCh38, 1-based): chr7:92,042,064, G>A. VCF-style: chr7-92042064-G-A. GRCh37 (hg19) VCF-style: chr7-91671378-G-A.
Other names: c.4936G>A, p.Glu1646Lys (NM_147185.3); short protein forms E1646K.
Identifiers: ClinVar variation 3626954 (VCV003626954.2).
Genomic context (GRCh38, chr7:92,042,064, plus strand): 5'-TATCACAAACAGTATTCTTTCATGACCTTTTTTCTTATTTAGAGATCCTCCATAGATAAT[G>A]AAAACCTGGTTTCAGAGAGAGAGAGGGTGCTTTTAGAGGAGCTGGAAGCACTAAAGCAGC-3'
Protein context (NP_005742.4, residues 1636-1656): QLAQRSSIDN[Glu1646Lys]NLVSERERVL

ClinVar aggregate classification (germline): Uncertain significance (1 of 4 stars; one submission).

Conditions:
Long QT syndrome (LQTS). Identifiers: MedGen C0023976, MeSH D008133, MONDO:0002442. Disease mechanism: loss of function. Inheritance: Various modes of inheritance.

gnomAD v4.1: 1 of 1,613,784 alleles (0.000062%); highest among the groups gnomAD compares: Non-Finnish European, 0.000085%; no homozygotes.

Submission:

Labcorp Genetics (formerly Invitae), Labcorp
Classification: Uncertain significance for Long QT syndrome. Last evaluated: 2024-08-08. Review status: criteria provided, single submitter. Criteria: Invitae Variant Classification Sherloc (09022015). Collection method: clinical testing. Allele origin: germline.
Comment: This sequence change replaces glutamic acid, which is acidic and polar, with lysine, which is basic and polar, at codon 1646 of the AKAP9 protein (p.Glu1646Lys). This variant is present in population databases (rs753713891, gnomAD 0.0009%). This variant has not been reported in the literature in individuals affected with AKAP9-related conditions. An algorithm developed to predict the effect of missense changes on protein structure and function (PolyPhen-2) suggests that this variant is likely to be disruptive. Algorithms developed to predict the effect of sequence changes on RNA splicing suggest that this variant may disrupt the consensus splice site. In summary, the available evidence is currently insufficient to determine the role of this variant in disease. Therefore, it has been classified as a Variant of Uncertain Significance.